The following is an entry in ClinVar:

NM_182961.4(SYNE1):c.15554T>C (p.Met5185Thr)

Gene: SYNE1 (spectrin repeat containing nuclear envelope protein 1; minus strand). Cytogenetic location: 6q25.2.
Variant type: single nucleotide variant.
Coding change: c.15554T>C on transcript NM_182961.4 (MANE Select); coding-DNA position 15554, T replaced by C.
Protein change: p.Met5185Thr; replaces methionine 5185 with threonine.
Molecular consequence: missense variant.
Genome position (GRCh38, 1-based): chr6:152,325,187, A>G on the plus strand (T>C on the coding strand, the complement: SYNE1 is on the minus strand). VCF-style: chr6-152325187-A-G. GRCh37 (hg19) VCF-style: chr6-152646322-A-G.
Other names: c.15341T>C, p.Met5114Thr (NM_033071.5); short protein forms M5114T, M5185T.
Identifiers: ClinVar variation 2124301 (VCV002124301.4), dbSNP rs2484596668, ClinGen allele CA366091117.

ClinVar aggregate classification (germline): Uncertain significance (1 of 4 stars; one submission).

Conditions:
Emery-Dreifuss muscular dystrophy 4, autosomal dominant (EDMD4). Also called: EMERY-DREIFUSS MUSCULAR DYSTROPHY 4 WITH VARIABLE FEATURES. Identifiers: Orphanet 261, MedGen C2751807, MONDO:0013071, OMIM 612998.
Autosomal recessive ataxia, Beauce type. Also called: SYNE1 Deficiency; Spinocerebellar ataxia, autosomal recessive 8; ATAXIA, RECESSIVE, OF BEAUCE; SYNE1-Related Autosomal Recessive Cerebellar Ataxia. Identifiers: Orphanet 88644, MedGen C1853116, MONDO:0012549, OMIM 610743.

Submission:

Labcorp Genetics (formerly Invitae), Labcorp
Classification: Uncertain significance for Emery-Dreifuss muscular dystrophy 4, autosomal dominant; Autosomal recessive ataxia, Beauce type. Last evaluated: 2024-08-12. Review status: criteria provided, single submitter. Criteria: Invitae Variant Classification Sherloc (09022015). Collection method: clinical testing. Allele origin: germline.
Comment: This sequence change replaces methionine, which is neutral and non-polar, with threonine, which is neutral and polar, at codon 5114 of the SYNE1 protein (p.Met5114Thr). This variant is not present in population databases (gnomAD no frequency). This variant has not been reported in the literature in individuals affected with SYNE1-related conditions. ClinVar contains an entry for this variant (Variation ID: 2124301). An algorithm developed to predict the effect of missense changes on protein structure and function outputs the following: PolyPhen-2: "Benign". The threonine amino acid residue is found in multiple mammalian species, which suggests that this missense change does not adversely affect protein function. In summary, the available evidence is currently insufficient to determine the role of this variant in disease. Therefore, it has been classified as a Variant of Uncertain Significance.